The following is an entry in ClinVar:

ClinVar aggregate classification (germline): Uncertain significance. Review status: criteria provided, multiple submitters, no conflicts (2 of 4 stars). 2 submissions from 2 submitters: Uncertain significance (2). Last evaluated 2022-08-22.

Conditions:
Inborn genetic diseases. Identifiers: MedGen C0950123, MeSH D030342.
Hyperphosphatasia with impaired intellectual development syndrome 2. Also called: Hyperphosphatasia with intellectual disability syndrome 2; GLYCOSYLPHOSPHATIDYLINOSITOL BIOSYNTHESIS DEFECT 6. Identifiers: Orphanet 247262, MedGen C3553637, MONDO:0013882, OMIM 614749.

Allele frequency attached by ClinVar (database versions not stated): TOPMed 0.00004; ExAC 0.00005.

Submissions (2):

Labcorp Genetics (formerly Invitae), Labcorp
Classification: Uncertain significance for Hyperphosphatasia with impaired intellectual development syndrome 2. Last evaluated: 2022-08-22. Review status: criteria provided, single submitter. Criteria: Invitae Variant Classification Sherloc (09022015). Collection method: clinical testing. Allele origin: germline.
Comment: This sequence change replaces alanine, which is neutral and non-polar, with serine, which is neutral and polar, at codon 19 of the PIGO protein (p.Ala19Ser). This variant is present in population databases (rs765218861, gnomAD 0.01%). This variant has not been reported in the literature in individuals affected with PIGO-related conditions. ClinVar contains an entry for this variant (Variation ID: 580499). Algorithms developed to predict the effect of missense changes on protein structure and function (SIFT, PolyPhen-2, Align-GVGD) all suggest that this variant is likely to be tolerated. In summary, the available evidence is currently insufficient to determine the role of this variant in disease. Therefore, it has been classified as a Variant of Uncertain Significance.

Ambry Genetics
Classification: Uncertain significance for Inborn genetic diseases. Last evaluated: 2021-11-15. Review status: criteria provided, single submitter. Criteria: Ambry Variant Classification Scheme 2023. Collection method: clinical testing. Allele origin: germline.

NM_032634.4(PIGO):c.55G>T (p.Ala19Ser)

Gene: PIGO (phosphatidylinositol glycan anchor biosynthesis class O; minus strand). Cytogenetic location: 9p13.3.
Variant type: single nucleotide variant.
Coding change: c.55G>T on transcript NM_032634.4 (MANE Select); coding-DNA position 55, G replaced by T.
Protein change: p.Ala19Ser; replaces alanine 19 with serine.
Molecular consequence: missense variant.
Genome position (GRCh38, 1-based): chr9:35,095,511, C>A on the plus strand (G>T on the coding strand, the complement: PIGO is on the minus strand). VCF-style: chr9-35095511-C-A. GRCh37 (hg19) VCF-style: chr9-35095508-C-A.
Other names: c.55G>T, p.Ala19Ser (NM_001201484.2, NM_152850.4); short protein forms A19S.
Identifiers: ClinVar variation 580499 (VCV000580499.8), dbSNP rs765218861, ClinGen allele CA5041015.